The following is an entry in ClinVar:

NM_002693.3(POLG):c.530G>T (p.Arg177Leu)

Genes: POLG (DNA polymerase gamma, catalytic subunit; minus strand), POLGARF (POLG alternative reading frame; minus strand). Cytogenetic location: 15q26.1.
Variant type: single nucleotide variant.
Coding change: c.530G>T on transcript NM_002693.3 (MANE Select); coding-DNA position 530, G replaced by T.
Protein change: p.Arg177Leu; replaces arginine 177 with leucine.
Molecular consequence: missense variant.
Genome position (GRCh38, 1-based): chr15:89,333,225, C>A on the plus strand (G>T on the coding strand, the complement: POLG is on the minus strand). VCF-style: chr15-89333225-C-A. GRCh37 (hg19) VCF-style: chr15-89876456-C-A.
Other names: c.530G>T, p.Arg177Leu (NM_001126131.2); short protein forms R177L.
Identifiers: ClinVar variation 2826145 (VCV002826145.3), dbSNP rs2509275034, ClinGen allele CA393771026.

ClinVar aggregate classification (germline): Uncertain significance (1 of 4 stars; one submission).

Conditions:
Progressive sclerosing poliodystrophy (MTDPS4A). Also called: ALPERS PROGRESSIVE INFANTILE POLIODYSTROPHY; NEURONAL DEGENERATION OF CHILDHOOD WITH LIVER DISEASE, PROGRESSIVE; Alpers Syndrome; ALPERS DIFFUSE DEGENERATION OF CEREBRAL GRAY MATTER WITH HEPATIC CIRRHOSIS; Alpers-Huttenlocher Syndrome; Mitochondrial DNA Depletion Syndrome 4A. Identifiers: Orphanet 726, MedGen C0205710, MONDO:0008758, OMIM 203700.

Submission:

Labcorp Genetics (formerly Invitae), Labcorp
Classification: Uncertain significance for Progressive sclerosing poliodystrophy. Last evaluated: 2025-10-19. Review status: criteria provided, single submitter. Criteria: Invitae Variant Classification Sherloc (09022015). Collection method: clinical testing. Allele origin: germline.
Comment: This sequence change replaces arginine, which is basic and polar, with leucine, which is neutral and non-polar, at codon 177 of the POLG protein (p.Arg177Leu). This variant is not present in population databases (gnomAD no frequency). This variant has not been reported in the literature in individuals affected with POLG-related conditions. ClinVar contains an entry for this variant (Variation ID: 2826145). Invitae Evidence Modeling of protein sequence and biophysical properties (such as structural, functional, and spatial information, amino acid conservation, physicochemical variation, residue mobility, and thermodynamic stability) indicates that this missense variant is expected to disrupt POLG protein function with a positive predictive value of 80%. In summary, the available evidence is currently insufficient to determine the role of this variant in disease. Therefore, it has been classified as a Variant of Uncertain Significance.